The following is an entry in ClinVar:

ClinVar aggregate classification (germline): Uncertain significance (1 of 4 stars; one submission).

Conditions:
Methylmalonic aciduria and homocystinuria type cblF. Also called: COBALAMIN F DISEASE; COBALAMIN, DEFECT IN LYSOSOMAL RELEASE OF; METHYLMALONIC ACIDEMIA AND HOMOCYSTINURIA, cblF TYPE; METHYLMALONIC ACIDURIA DUE TO VITAMIN B12-RELEASE DEFECT; VITAMIN B12 LYSOSOMAL RELEASE DEFECT; VITAMIN B12 STORAGE DISEASE. Identifiers: Orphanet 79284, MedGen C1848578, MONDO:0010183, OMIM 277380.

Allele frequency attached by ClinVar (database versions not stated): TOPMed 0.00001.
gnomAD v4.1: 10 of 1,604,492 alleles (0.00062%); highest among the groups gnomAD compares: East Asian, 0.011%; no homozygotes.

Submission:

Labcorp Genetics (formerly Invitae), Labcorp
Classification: Uncertain significance for Methylmalonic aciduria and homocystinuria type cblF. Last evaluated: 2022-03-01. Review status: criteria provided, single submitter. Criteria: Invitae Variant Classification Sherloc (09022015). Collection method: clinical testing. Allele origin: germline.
Comment: This sequence change replaces asparagine, which is neutral and polar, with serine, which is neutral and polar, at codon 457 of the LMBRD1 protein (p.Asn457Ser). This variant is present in population databases (no rsID available, gnomAD 0.007%). This variant has not been reported in the literature in individuals affected with LMBRD1-related conditions. Algorithms developed to predict the effect of missense changes on protein structure and function are either unavailable or do not agree on the potential impact of this missense change (SIFT: "Deleterious"; PolyPhen-2: "Benign"; Align-GVGD: "Class C45"). In summary, the available evidence is currently insufficient to determine the role of this variant in disease. Therefore, it has been classified as a Variant of Uncertain Significance.

NM_018368.4(LMBRD1):c.1370A>G (p.Asn457Ser)

Gene: LMBRD1 (LMBR1 domain containing 1; minus strand). Cytogenetic location: 6q13.
Variant type: single nucleotide variant.
Coding change: c.1370A>G on transcript NM_018368.4 (MANE Select); coding-DNA position 1370, A replaced by G.
Protein change: p.Asn457Ser; replaces asparagine 457 with serine.
Molecular consequence: missense variant.
Genome position (GRCh38, 1-based): chr6:69,697,610, T>C on the plus strand (A>G on the coding strand, the complement: LMBRD1 is on the minus strand). VCF-style: chr6-69697610-T-C. GRCh37 (hg19) VCF-style: chr6-70407502-T-C.
Other names: c.1151A>G, p.Asn384Ser (NM_001363722.2, NM_001367271.1, NM_001367272.1); short protein forms N384S, N457S.
Identifiers: ClinVar variation 2149786 (VCV002149786.1), dbSNP rs1202049874, ClinGen allele CA364663401.